The following is an entry in ClinVar:

NM_004958.4(MTOR):c.2762A>G (p.Lys921Arg)

Gene: MTOR (mechanistic target of rapamycin kinase; minus strand). Cytogenetic location: 1p36.22.
Variant type: single nucleotide variant.
Coding change: c.2762A>G on transcript NM_004958.4 (MANE Select); coding-DNA position 2762, A replaced by G.
Protein change: p.Lys921Arg; replaces lysine 921 with arginine.
Molecular consequence: missense variant.
Genome position (GRCh38, 1-based): chr1:11,230,942, T>C on the plus strand (A>G on the coding strand, the complement: MTOR is on the minus strand). VCF-style: chr1-11230942-T-C. GRCh37 (hg19) VCF-style: chr1-11290999-T-C.
Other names: c.2762A>G, p.Lys921Arg (NM_001386500.1); c.1514A>G, p.Lys505Arg (NM_001386501.1); short protein forms K921R, K505R.
Identifiers: ClinVar variation 4754111 (VCV004754111.1).
Genomic context (GRCh38, chr1:11,230,942, plus strand): 5'-GAGTGAGAACTTGGCAAGTCTTTCATGGCTACCCCCAACTTACAGGAATCCTGACTTGAC[T>C]TGGATTCTGACAGGCTGACAGCAGAGGCATCCCGGGACTGGTCTATCATGCCAATGTTCA-3'
Protein context (NP_004949.1, residues 911-931): DASAVSLSES[Lys921Arg]SSQDSSDYST

ClinVar aggregate classification (germline): Uncertain significance (1 of 4 stars; one submission).

gnomAD v4.1: 5 of 1,614,012 alleles (0.00031%); highest among the groups gnomAD compares: Non-Finnish European, 0.00034%; no homozygotes.

Submission:

Labcorp Genetics (formerly Invitae), Labcorp
Classification: Uncertain significance. Last evaluated: 2026-01-12. Review status: criteria provided, single submitter. Criteria: Invitae Variant Classification Sherloc (09022015). Collection method: clinical testing. Allele origin: germline.
Comment: This sequence change replaces lysine, which is basic and polar, with arginine, which is basic and polar, at codon 921 of the MTOR protein (p.Lys921Arg). This variant is not present in population databases (gnomAD no frequency). This variant has not been reported in the literature in individuals affected with MTOR-related conditions. Invitae Evidence Modeling of protein sequence and biophysical properties (such as structural, functional, and spatial information, amino acid conservation, physicochemical variation, residue mobility, and thermodynamic stability) indicates that this missense variant is not expected to disrupt MTOR protein function with a negative predictive value of 95%. In summary, the available evidence is currently insufficient to determine the role of this variant in disease. Therefore, it has been classified as a Variant of Uncertain Significance.